The following is an entry in ClinVar:

ClinVar aggregate classification (germline): Benign/Likely benign. Review status: criteria provided, multiple submitters, no conflicts (2 of 4 stars). 4 submissions from 4 submitters: Benign (1); Likely benign (2). 1 of the submissions does not count toward it. Last evaluated 2025-06-17.

Conditions:
RAB3GAP1-related disorder. Also called: RAB3GAP1-related disorders; RAB3GAP1-related condition.

Allele frequency attached by ClinVar (database versions not stated): gnomAD exomes 0.00007 and 0.00019; 1000 Genomes Project 30x 0.00016; 1000 Genomes Project 0.00020; ExAC 0.00028; ESP Exome Variant Server 0.00085; gnomAD 0.00085 and 0.00092; TOPMed 0.00094.
gnomAD v4.1: 246 of 1,614,208 alleles (0.015%); highest among the groups gnomAD compares: African/African-American, 0.27%; no homozygotes.

Submissions (4):

Labcorp Genetics (formerly Invitae), Labcorp
Classification: Benign. Last evaluated: 2025-06-17. Review status: criteria provided, single submitter. Criteria: Invitae Variant Classification Sherloc (09022015). Collection method: clinical testing. Allele origin: germline.

GeneDx
Classification: Likely benign. Last evaluated: 2021-03-16. Review status: criteria provided, single submitter. Criteria: GeneDx Variant Classification Process June 2021. Collection method: clinical testing. Allele origin: germline. Affected: yes.

Genetic Services Laboratory, University of Chicago
Classification: Likely benign for AllHighlyPenetrant. Last evaluated: 2013-12-30. Review status: criteria provided, single submitter. Criteria: ACMG Guidelines, 2007. Collection method: clinical testing. Allele origin: germline. Inheritance: Autosomal recessive inheritance.

PreventionGenetics, part of Exact Sciences
Classification: Likely benign for RAB3GAP1-related condition. Last evaluated: 2019-03-27. Review status: no assertion criteria provided. Collection method: clinical testing. Allele origin: germline. Not counted in ClinVar's aggregate classification.
Comment: This variant is classified as likely benign based on ACMG/AMP sequence variant interpretation guidelines (Richards et al. 2015 PMID: 25741868, with internal and published modifications).

NM_012233.3(RAB3GAP1):c.2904T>C (p.Phe968=)

Gene: RAB3GAP1 (RAB3 GTPase activating protein catalytic subunit 1; plus strand). Cytogenetic location: 2q21.3.
Variant type: single nucleotide variant.
Coding change: c.2904T>C on transcript NM_012233.3 (MANE Select); coding-DNA position 2904, T replaced by C.
Protein change: p.Phe968=; no amino-acid change (phenylalanine 968 retained).
Molecular consequence: synonymous variant.
Genome position (GRCh38, 1-based): chr2:135,168,739, T>C. VCF-style: chr2-135168739-T-C. GRCh37 (hg19) VCF-style: chr2-135926309-T-C.
Other names: c.2925T>C, p.Phe975= (NM_001172435.2).
Identifiers: ClinVar variation 130069 (VCV000130069.18), dbSNP rs146045827, ClinGen allele CA154845.